The following is an entry in ClinVar:

ClinVar aggregate classification (germline): Uncertain significance. Review status: criteria provided, multiple submitters, no conflicts (2 of 4 stars). 2 submissions from 2 submitters: Uncertain significance (2). Last evaluated 2024-02-24.

Conditions:
Glycogen storage disease XV (GSD15). Also called: GLYCOGENIN DEFICIENCY; GSD XV. Identifiers: Orphanet 263297, MedGen C3150754, MONDO:0013291, OMIM 613507.
Polyglucosan body myopathy type 2. Identifiers: Orphanet 456369, MedGen C4015452, MONDO:0014526, OMIM 616199.
Inborn genetic diseases. Identifiers: MedGen C0950123, MeSH D030342.

Allele frequency attached by ClinVar (database versions not stated): TOPMed below 0.00001; gnomAD 0.00001; ExAC 0.00002; gnomAD exomes 0.00004.
gnomAD v4.1: 61 of 1,594,238 alleles (0.0038%); highest among the groups gnomAD compares: Non-Finnish European, 0.0052%; no homozygotes.

Submissions (2):

Labcorp Genetics (formerly Invitae), Labcorp
Classification: Uncertain significance for Polyglucosan body myopathy type 2; Glycogen storage disease XV. Last evaluated: 2024-02-24. Review status: criteria provided, single submitter. Criteria: Invitae Variant Classification Sherloc (09022015). Collection method: clinical testing. Allele origin: germline.
Comment: This sequence change replaces glutamic acid, which is acidic and polar, with glutamine, which is neutral and polar, at codon 294 of the GYG1 protein (p.Glu294Gln). This variant is present in population databases (rs748775464, gnomAD 0.005%). This variant has not been reported in the literature in individuals affected with GYG1-related conditions. ClinVar contains an entry for this variant (Variation ID: 2183486). An algorithm developed to predict the effect of missense changes on protein structure and function (PolyPhen-2) suggests that this variant is likely to be disruptive. In summary, the available evidence is currently insufficient to determine the role of this variant in disease. Therefore, it has been classified as a Variant of Uncertain Significance.

Ambry Genetics
Classification: Uncertain significance for Inborn genetic diseases. Last evaluated: 2021-09-28. Review status: criteria provided, single submitter. Criteria: Ambry Variant Classification Scheme 2023. Collection method: clinical testing. Allele origin: germline.

NM_004130.4(GYG1):c.880G>C (p.Glu294Gln)

Gene: GYG1 (glycogenin 1; plus strand). Cytogenetic location: 3q24.
Variant type: single nucleotide variant.
Coding change: c.880G>C on transcript NM_004130.4 (MANE Select); coding-DNA position 880, G replaced by C.
Protein change: p.Glu294Gln; replaces glutamic acid 294 with glutamine.
Molecular consequence: missense variant. On other transcripts: synonymous variant (1).
Genome position (GRCh38, 1-based): chr3:149,026,760, G>C. VCF-style: chr3-149026760-G-C. GRCh37 (hg19) VCF-style: chr3-148744547-G-C.
Other names: c.829G>C, p.Glu277Gln (NM_001184720.2); c.609G>C, p.Val203= (NM_001184721.2); short protein forms E294Q, E277Q.
Identifiers: ClinVar variation 2183486 (VCV002183486.4), dbSNP rs748775464, ClinGen allele CA2658703.